The following is an entry in ClinVar:

NM_000352.6(ABCC8):c.1138del (p.Ala380fs)

Gene: ABCC8 (ATP binding cassette subfamily C member 8; minus strand). Cytogenetic location: 11p15.1.
Variant type: Deletion.
Coding change: c.1138del on transcript NM_000352.6 (MANE Select); coding-DNA position 1138, one base deleted (G; older notation c.1138delG).
Protein change: p.Ala380fs; shifts the reading frame from alanine 380.
Molecular consequence: frameshift variant. On other transcripts: non-coding transcript variant (1).
Genome position (GRCh38, 1-based): chr11:17,453,157, C deleted on the plus strand (G on the coding strand, the reverse complement: ABCC8 is on the minus strand); the first of 2 consecutive C bases (chr11:17,453,157-17,453,158); deleting either gives the same sequence. VCF-style (leftmost placement, unchanged base first): chr11-17453156-GC-G. GRCh37 (hg19) VCF-style: chr11-17474703-GC-G.
Other names: NM_001287174.3:c.1138del; c.1138del, p.Ala380fs (NM_001287174.3, NM_001351295.2); c.1135del, p.Ala379fs (NM_001351296.2, NM_001351297.2); short protein forms A379fs, A380fs.
Identifiers: ClinVar variation 2576213 (VCV002576213.1), dbSNP rs1564964065, ClinGen allele CA597904577.

ClinVar aggregate classification (germline): Pathogenic (1 of 4 stars; one submission).

Conditions:
Hyperinsulinemic hypoglycemia, familial, 1 (HHF1). Also called: HYPERINSULINISM, FAMILIAL, WITH PANCREATIC NESIDIOBLASTOSIS; HYPOGLYCEMIA, HYPERINSULINEMIC, OF INFANCY; Persistent Hyperinsulinemia Hypoglycemia of Infancy; NESIDIOBLASTOSIS OF PANCREAS; Persistent hyperinsulinemic hypoglycemia of infancy. Identifiers: Orphanet 276575, Orphanet 276598, MedGen C2931832, MONDO:0009734, OMIM 256450.

Submission:

Broad Center for Mendelian Genomics, Broad Institute of MIT and Harvard
Classification: Pathogenic for Hyperinsulinemic hypoglycemia, familial, 1. Last evaluated: 2023-08-16. Review status: criteria provided, single submitter. Criteria: ACMG Guidelines, 2015. Collection method: curation. Allele origin: germline. Inheritance: Autosomal recessive inheritance.
Comment: The p.Ala380ProfsTer8 variant in ABCC8 has been reported in 1 individual, in the homozygous state, with congenital hyperinsulinism (PMID: 32027066), and has been identified in 0.003% (1/30616) of South Asian chromosomes by the Genome Aggregation Database (gnomAD; dbSNP rs1564964065). Although this variant has been seen in the general population in a heterozygous state, its frequency is low enough to be consistent with a recessive carrier frequency. This variant is predicted to cause a frameshift, which alters the protein’s amino acid sequence beginning at position 380 and leads to a premature termination codon 8 amino acids downstream. This alteration is then predicted to lead to a truncated or absent protein. Loss of function of the ABCC8 gene is an established disease mechanism in autosomal recessive hyperinsulinemic hypoglycemia. In summary, this variant meets criteria to be classified as pathogenic for autosomal recessive hyperinsulinemic hypoglycemia. ACMG/AMP Criteria applied: PVS1, PM2_supporting, PM3_supporting (Richards 2015).